The following is an entry in ClinVar:

NM_000334.4(SCN4A):c.5125A>C (p.Asn1709His)

Genes: GH-LCR (growth hormone locus control region; plus strand), SCN4A (sodium voltage-gated channel alpha subunit 4; minus strand). Cytogenetic location: 17q23.3.
Variant type: single nucleotide variant.
Coding change: c.5125A>C on transcript NM_000334.4 (MANE Select); coding-DNA position 5125, A replaced by C.
Protein change: p.Asn1709His; replaces asparagine 1709 with histidine.
Molecular consequence: missense variant.
Genome position (GRCh38, 1-based): chr17:63,941,157, T>G on the plus strand (A>C on the coding strand, the complement: SCN4A is on the minus strand). VCF-style: chr17-63941157-T-G. GRCh37 (hg19) VCF-style: chr17-62018517-T-G.
Other names: short protein forms N1709H.
Identifiers: ClinVar variation 2435744 (VCV002435744.4), dbSNP rs2509283431, ClinGen allele CA400613927.
Genomic context (GRCh38, chr17:63,941,157, plus strand): 5'-CCTCCTCGTGCTTCCTCTTGAGGGTGGTGGTGATGGGCTCGTAGGACACCTTGGAGGGGT[T>G]GGCTGCCATGAACTTCTCCTCCATGGTCTGCTTGAGGGCGTCCATTTCCCCAGAGTCACC-3'
Protein context (NP_000325.4, residues 1699-1719): QTMEEKFMAA[Asn1709His]PSKVSYEPIT

ClinVar aggregate classification (germline): Uncertain significance. Review status: criteria provided, multiple submitters, no conflicts (2 of 4 stars). 2 submissions from 2 submitters: Uncertain significance (2). Last evaluated 2025-12-04.

Conditions:
Hyperkalemic periodic paralysis. Also called: Familial hyperkalemic periodic paralysis; Gamstorp disease. Identifiers: Orphanet 682, MedGen C0238357, MONDO:0008224, OMIM 170500, HP:0007215.

Allele frequency attached by ClinVar (database versions not stated): gnomAD exomes below 0.00001.

Submissions (2):

Labcorp Genetics (formerly Invitae), Labcorp
Classification: Uncertain significance for Hyperkalemic periodic paralysis. Last evaluated: 2025-12-04. Review status: criteria provided, single submitter. Criteria: Invitae Variant Classification Sherloc (09022015). Collection method: clinical testing. Allele origin: germline.
Comment: This sequence change replaces asparagine, which is neutral and polar, with histidine, which is basic and polar, at codon 1709 of the SCN4A protein (p.Asn1709His). This variant is not present in population databases (gnomAD no frequency). This variant has not been reported in the literature in individuals affected with SCN4A-related conditions. ClinVar contains an entry for this variant (Variation ID: 2435744). Invitae Evidence Modeling of protein sequence and biophysical properties (such as structural, functional, and spatial information, amino acid conservation, physicochemical variation, residue mobility, and thermodynamic stability) indicates that this missense variant is expected to disrupt SCN4A protein function with a positive predictive value of 80%. In summary, the available evidence is currently insufficient to determine the role of this variant in disease. Therefore, it has been classified as a Variant of Uncertain Significance.

Revvity Omics, Revvity
Classification: Uncertain significance. Last evaluated: 2020-02-25. Review status: criteria provided, single submitter. Criteria: ACMG Guidelines, 2015. Collection method: clinical testing. Allele origin: germline.